The following is an entry in ClinVar:

ClinVar aggregate classification (germline): Pathogenic (1 of 4 stars; one submission).

Conditions:
Desmin-related myofibrillar myopathy (MFM1). Also called: Myofibrillar myopathy 1; Desminopathy; Desmin related myopathy (former name); Desmin storage myopathy (former name); MYOFIBRILLAR MYOPATHY WITH ARRHYTHMOGENIC RIGHT VENTRICULAR CARDIOMYOPATHY; DESMIN-RELATED MYOPATHY WITH ARRHYTHMOGENIC RIGHT VENTRICULAR CARDIOMYOPATHY. Identifiers: Orphanet 363543, Orphanet 98909, MedGen C1832370, MONDO:0011076, OMIM 601419.

Submission:

Labcorp Genetics (formerly Invitae), Labcorp
Classification: Pathogenic for Desmin-related myofibrillar myopathy. Last evaluated: 2022-04-30. Review status: criteria provided, single submitter. Criteria: Invitae Variant Classification Sherloc (09022015). Collection method: clinical testing. Allele origin: germline.
Comment: For these reasons, this variant has been classified as Pathogenic. This variant has not been reported in the literature in individuals affected with DES-related conditions. This variant is not present in population databases (gnomAD no frequency). This sequence change creates a premature translational stop signal (p.Phe101Valfs*17) in the DES gene. It is expected to result in an absent or disrupted protein product. Loss-of-function variants in DES are known to be pathogenic (PMID: 23575897).

Literature cited by the submitters: PubMed 23575897.

NM_001927.4(DES):c.300dup (p.Phe101fs)

Gene: DES (desmin; plus strand). Cytogenetic location: 2q35.
Variant type: Duplication.
Coding change: c.300dup on transcript NM_001927.4 (MANE Select); coding-DNA position 300, one base duplicated (G; older notation c.300dupG).
Protein change: p.Phe101fs; shifts the reading frame from phenylalanine 101.
Molecular consequence: frameshift variant.
Genome position (GRCh38, 1-based): chr2:219,418,762, G duplicated. VCF-style (leftmost placement, unchanged base first): chr2-219418761-A-AG. GRCh37 (hg19) VCF-style: chr2-220283483-A-AG.
Other names: c.300dup, p.Phe101fs (NM_001382708.1, NM_001382709.1, NM_001382710.1 and 3 more transcripts); short protein forms F101fs.
Identifiers: ClinVar variation 2132276 (VCV002132276.4), dbSNP rs2545247153, ClinGen allele CA2580065780.